The following is an entry in ClinVar:

NM_000152.5(GAA):c.1410C>A (p.Asn470Lys)

Gene: GAA (alpha glucosidase; plus strand). Cytogenetic location: 17q25.3.
Variant type: single nucleotide variant.
Coding change: c.1410C>A on transcript NM_000152.5 (MANE Select); coding-DNA position 1410, C replaced by A.
Protein change: p.Asn470Lys; replaces asparagine 470 with lysine.
Molecular consequence: missense variant.
Genome position (GRCh38, 1-based): chr17:80,110,028, C>A. VCF-style: chr17-80110028-C-A. GRCh37 (hg19) VCF-style: chr17-78083827-C-A.
Other names: c.1410C>A, p.Asn470Lys (NM_001079803.3, NM_001079804.3); short protein forms N470K.
Identifiers: ClinVar variation 846639 (VCV000846639.9), dbSNP rs886043068, ClinGen allele CA401366567.

ClinVar aggregate classification (germline): Uncertain significance. Review status: criteria provided, multiple submitters, no conflicts (2 of 4 stars). 3 submissions from 3 submitters: Uncertain significance (3). Last evaluated 2021-09-05.

Conditions:
Glycogen storage disease, type II (IOPD). Also called: Glucosidase acid-1,4-alpha deficiency; POMPE DISEASE, INFANTILE-ONSET; GLYCOGEN STORAGE DISEASE II, INFANTILE-ONSET; ACID ALPHA-GLUCOSIDASE DEFICIENCY, INFANTILE-ONSET; GAA DEFICIENCY, INFANTILE-ONSET; ACID MALTASE DEFICIENCY, INFANTILE-ONSET. Identifiers: Orphanet 365, MedGen C0017921, MONDO:0009290, OMIM 232300.

Submissions (3):

Genome-Nilou Lab
Classification: Uncertain significance for Glycogen storage disease, type II. Last evaluated: 2021-09-05. Review status: criteria provided, single submitter. Criteria: ACMG Guidelines, 2015. Collection method: clinical testing. Allele origin: germline. Affected: no.

Labcorp Genetics (formerly Invitae), Labcorp
Classification: Uncertain significance for Glycogen storage disease, type II. Last evaluated: 2021-08-24. Review status: criteria provided, single submitter. Criteria: Invitae Variant Classification Sherloc (09022015). Collection method: clinical testing. Allele origin: germline.
Comment: This sequence change replaces asparagine with lysine at codon 470 of the GAA protein (p.Asn470Lys). The asparagine residue is highly conserved and there is a moderate physicochemical difference between asparagine and lysine. This variant is not present in population databases (ExAC no frequency). This variant has not been reported in the literature in individuals affected with GAA-related conditions. Algorithms developed to predict the effect of missense changes on protein structure and function (SIFT, PolyPhen-2, Align-GVGD) all suggest that this variant is likely to be disruptive. Algorithms developed to predict the effect of sequence changes on RNA splicing suggest that this variant may create or strengthen a splice site. In summary, the available evidence is currently insufficient to determine the role of this variant in disease. Therefore, it has been classified as a Variant of Uncertain Significance.

Baylor Genetics
Classification: Uncertain significance for Glycogen storage disease, type II. Last evaluated: 2019-02-20. Review status: criteria provided, single submitter. Criteria: ACMG Guidelines, 2015. Collection method: clinical testing. Allele origin: paternal. Affected: yes.
Comment: This variant was determined to be of uncertain significance according to ACMG Guidelines, 2015 [PMID:25741868].